The following is an entry in ClinVar:

NM_015629.4(PRPF31):c.323-3T>C

Genes: PRPF31 (pre-mRNA processing factor 31; plus strand), PRPF31-AS1 (PRPF31 antisense RNA 1; minus strand). Cytogenetic location: 19q13.42.
Variant type: single nucleotide variant.
Coding change: c.323-3T>C on transcript NM_015629.4 (MANE Select); 3 bases into the intron before coding-DNA position 323, T replaced by C.
Molecular consequence: intron variant. On other transcripts: non-coding transcript variant (1).
Genome position (GRCh38, 1-based): chr19:54,122,494, T>C. VCF-style: chr19-54122494-T-C. GRCh37 (hg19) VCF-style: chr19-54625873-T-C.
Identifiers: ClinVar variation 3005961 (VCV003005961.3), dbSNP rs758108676, ClinGen allele CA309323949.
Genomic context (GRCh38, chr19:54,122,494, plus strand): 5'-AGGGCCAACCAGCAGAGTCTACCTTCCATCTCACCCGACAACCTCCTGTCCCGTTTACCC[T>C]AGACATCATCCATAAGTTCATCCGGGATAAGTACTCAAAGAGATTCCCTGAACTGGAGTC-3'

ClinVar aggregate classification (germline): Uncertain significance (1 of 4 stars; one submission).

Allele frequency attached by ClinVar (database versions not stated): gnomAD 0.00001; gnomAD exomes 0.00001; TOPMed 0.00001; ExAC 0.00002.
gnomAD v4.1: 8 of 1,611,646 alleles (0.0005%); highest among the groups gnomAD compares: Admixed American, 0.012%; no homozygotes.

Submission:

Labcorp Genetics (formerly Invitae), Labcorp
Classification: Uncertain significance. Last evaluated: 2023-11-02. Review status: criteria provided, single submitter. Criteria: Invitae Variant Classification Sherloc (09022015). Collection method: clinical testing. Allele origin: germline.
Comment: This sequence change falls in intron 4 of the PRPF31 gene. It does not directly change the encoded amino acid sequence of the PRPF31 protein. It affects a nucleotide within the consensus splice site. This variant is present in population databases (rs758108676, gnomAD 0.01%). This variant has not been reported in the literature in individuals affected with PRPF31-related conditions. Variants that disrupt the consensus splice site are a relatively common cause of aberrant splicing (PMID: 17576681, 9536098). Algorithms developed to predict the effect of sequence changes on RNA splicing suggest that this variant is not likely to affect RNA splicing. In summary, the available evidence is currently insufficient to determine the role of this variant in disease. Therefore, it has been classified as a Variant of Uncertain Significance.

Literature cited by the submitters: PubMed 17576681; PubMed 9536098.